The following is an entry in ClinVar:

ClinVar aggregate classification (germline): Uncertain significance (1 of 4 stars; one submission).

Conditions:
Developmental and epileptic encephalopathy, 23 (DEE23). Also called: Epileptic encephalopathy, early infantile, 23. Identifiers: Orphanet 411986, MedGen C4014492, MONDO:0014371, OMIM 615859.

Allele frequency attached by ClinVar (database versions not stated): gnomAD 0.00001; TOPMed 0.00001.
gnomAD v4.1: 3 of 1,613,390 alleles (0.00019%); highest among the groups gnomAD compares: Non-Finnish European, 0.00025%; no homozygotes.

Submission:

Labcorp Genetics (formerly Invitae), Labcorp
Classification: Uncertain significance for Developmental and epileptic encephalopathy, 23. Last evaluated: 2022-08-06. Review status: criteria provided, single submitter. Criteria: Invitae Variant Classification Sherloc (09022015). Collection method: clinical testing. Allele origin: germline.
Comment: In summary, the available evidence is currently insufficient to determine the role of this variant in disease. Therefore, it has been classified as a Variant of Uncertain Significance. Algorithms developed to predict the effect of missense changes on protein structure and function are either unavailable or do not agree on the potential impact of this missense change (SIFT: "Deleterious"; PolyPhen-2: "Possibly Damaging"; Align-GVGD: "Class C0"). ClinVar contains an entry for this variant (Variation ID: 949600). This variant has not been reported in the literature in individuals affected with DOCK7-related conditions. This variant is not present in population databases (gnomAD no frequency). This sequence change replaces arginine, which is basic and polar, with proline, which is neutral and non-polar, at codon 213 of the DOCK7 protein (p.Arg213Pro).

NM_001367561.1(DOCK7):c.638G>C (p.Arg213Pro)

Gene: DOCK7 (dedicator of cytokinesis 7; minus strand). Cytogenetic location: 1p31.3.
Variant type: single nucleotide variant.
Coding change: c.638G>C on transcript NM_001367561.1 (MANE Select); coding-DNA position 638, G replaced by C.
Protein change: p.Arg213Pro; replaces arginine 213 with proline.
Molecular consequence: missense variant.
Genome position (GRCh38, 1-based): chr1:62,648,200, C>G on the plus strand (G>C on the coding strand, the complement: DOCK7 is on the minus strand). VCF-style: chr1-62648200-C-G. GRCh37 (hg19) VCF-style: chr1-63113871-C-G.
Other names: c.638G>C, p.Arg213Pro (NM_001271999.2, NM_001272000.2, NM_001272001.2 and 3 more transcripts); short protein forms R213P.
Identifiers: ClinVar variation 949600 (VCV000949600.10), dbSNP rs1408421974, ClinGen allele CA340627548.